The following is an entry in ClinVar:

ClinVar aggregate classification (germline): Uncertain significance (1 of 4 stars; one submission).

Conditions:
Retinitis pigmentosa 71 (RP71). Identifiers: Orphanet 791, MedGen C4225342, MONDO:0014618, OMIM 616394.
Short-rib thoracic dysplasia 10 with or without polydactyly (SRTD10). Identifiers: Orphanet 474, MedGen C3810175, MONDO:0014284, OMIM 615630.

gnomAD v4.1: 1 of 1,612,820 alleles (0.000062%); highest among the groups gnomAD compares: East Asian, 0.0022%; no homozygotes.

Submission:

Labcorp Genetics (formerly Invitae), Labcorp
Classification: Uncertain significance for Retinitis pigmentosa 71; Short-rib thoracic dysplasia 10 with or without polydactyly. Last evaluated: 2021-09-15. Review status: criteria provided, single submitter. Criteria: Invitae Variant Classification Sherloc (09022015). Collection method: clinical testing. Allele origin: germline.
Comment: In summary, the available evidence is currently insufficient to determine the role of this variant in disease. Therefore, it has been classified as a Variant of Uncertain Significance. Algorithms developed to predict the effect of missense changes on protein structure and function (SIFT, PolyPhen-2, Align-GVGD) all suggest that this variant is likely to be tolerated. This variant has not been reported in the literature in individuals affected with IFT172-related conditions. This variant is not present in population databases (ExAC no frequency). This sequence change replaces phenylalanine with leucine at codon 525 of the IFT172 protein (p.Phe525Leu). The phenylalanine residue is moderately conserved and there is a small physicochemical difference between phenylalanine and leucine.

NM_015662.3(IFT172):c.1575C>G (p.Phe525Leu)

Gene: IFT172 (intraflagellar transport 172; minus strand). Cytogenetic location: 2p23.3.
Variant type: single nucleotide variant.
Coding change: c.1575C>G on transcript NM_015662.3 (MANE Select); coding-DNA position 1575, C replaced by G.
Protein change: p.Phe525Leu; replaces phenylalanine 525 with leucine.
Molecular consequence: missense variant.
Genome position (GRCh38, 1-based): chr2:27,471,045, G>C on the plus strand (C>G on the coding strand, the complement: IFT172 is on the minus strand). VCF-style: chr2-27471045-G-C. GRCh37 (hg19) VCF-style: chr2-27693912-G-C.
Other names: short protein forms F525L.
Identifiers: ClinVar variation 1381291 (VCV001381291.6), dbSNP rs2148528504, ClinGen allele CA346390370.